The following is an entry in ClinVar:

ClinVar aggregate classification (germline): Likely pathogenic (1 of 4 stars; one submission).

Conditions:
Hermansky-Pudlak syndrome 9 (HPS9). Identifiers: Orphanet 280663, Orphanet 79430, MedGen C3280026, MONDO:0013606, OMIM 614171.

Allele frequency attached by ClinVar (database versions not stated): ExAC 0.00001; gnomAD 0.00001; TOPMed 0.00001.

Submission:

Labcorp Genetics (formerly Invitae), Labcorp
Classification: Likely pathogenic for Hermansky-Pudlak syndrome 9. Last evaluated: 2024-09-03. Review status: criteria provided, single submitter. Criteria: Invitae Variant Classification Sherloc (09022015). Collection method: clinical testing. Allele origin: germline.
Comment: This sequence change affects a donor splice site in intron 3 of the BLOC1S6 gene. It is expected to disrupt RNA splicing. Variants that disrupt the donor or acceptor splice site typically lead to a loss of protein function (PMID: 16199547), and loss-of-function variants in BLOC1S6 are known to be pathogenic (PMID: 10610180, 21665000, 22461475). This variant is present in population databases (rs756480888, gnomAD 0.004%). This variant has not been reported in the literature in individuals affected with BLOC1S6-related conditions. ClinVar contains an entry for this variant (Variation ID: 1933969). Algorithms developed to predict the effect of sequence changes on RNA splicing suggest that this variant may disrupt the consensus splice site. In summary, the currently available evidence indicates that the variant is pathogenic, but additional data are needed to prove that conclusively. Therefore, this variant has been classified as Likely Pathogenic.

Literature cited by the submitters: PubMed 16199547; PubMed 10610180; PubMed 21665000; PubMed 22461475.

NM_012388.4(BLOC1S6):c.312+1G>T

Gene: BLOC1S6 (biogenesis of lysosomal organelles complex 1 subunit 6; plus strand). Cytogenetic location: 15q21.1.
Variant type: single nucleotide variant.
Coding change: c.312+1G>T on transcript NM_012388.4 (MANE Select); the canonical splice donor site of the intron after coding-DNA position 312, G replaced by T.
Molecular consequence: splice donor variant. On other transcripts: intron variant (1).
Genome position (GRCh38, 1-based): chr15:45,603,188, G>T. VCF-style: chr15-45603188-G-T. GRCh37 (hg19) VCF-style: chr15-45895386-G-T.
Other names: c.327+1G>T (NM_001311255.1); c.240-2240G>T (NM_001311256.1).
Identifiers: ClinVar variation 1933969 (VCV001933969.4), dbSNP rs756480888, ClinGen allele CA7544327.